The following is an entry in ClinVar:

ClinVar aggregate classification (germline): Conflicting classifications of pathogenicity. Review status: criteria provided, conflicting classifications (1 of 4 stars). 9 submissions from 9 submitters: Uncertain significance (1); Benign (3); Likely benign (4). 1 of the submissions does not count toward it. Last evaluated 2026-06-01.

Conditions:
Kabuki syndrome 1 (KABUK1). Also called: KMT2D-Related Kabuki Syndrome. Identifiers: Orphanet 2322, MedGen CN030661, MONDO:0007843, OMIM 147920.
Choanal atresia-athelia-hypothyroidism-delayed puberty-short stature syndrome (BCAHH). Also called: BRANCHIAL ARCH ABNORMALITIES, CHOANAL ATRESIA, ATHELIA, HEARING LOSS, AND HYPOTHYROIDISM SYNDROME. Identifiers: Orphanet 589856, MedGen C5680310, MONDO:0035651, OMIM 620186.
KMT2D-related disorder. Also called: KMT2D-Related Disorders.
Inborn genetic diseases. Identifiers: MedGen C0950123, MeSH D030342.
Kabuki syndrome. Also called: Kabuki make-up syndrome; NIIKAWA-KUROKI SYNDROME. Identifiers: Orphanet 2322, MedGen C0796004, MONDO:0016512.

Allele frequency attached by ClinVar (database versions not stated): 1000 Genomes Project 0.00020; 1000 Genomes Project 30x 0.00031; ESP Exome Variant Server 0.00032; gnomAD 0.00038 and 0.00040; ExAC 0.00045; gnomAD exomes 0.00049; TOPMed 0.00065.
gnomAD v4.1: 731 of 1,613,236 alleles (0.045%); highest among the groups gnomAD compares: Admixed American, 0.12%; 1 homozygote.

Submissions (11):

CeGaT Center for Human Genetics Tuebingen
Classification: Likely benign. Last evaluated: 2026-06-01. Review status: criteria provided, single submitter. Criteria: CeGaT Center For Human Genetics Tuebingen Variant Classification Criteria Version 2. Collection method: clinical testing. Allele origin: germline. Affected: yes. Observed: 1 variant allele.
Comment: KMT2D: BP4, BS1

Labcorp Genetics (formerly Invitae), Labcorp
Classification: Benign for Kabuki syndrome. Last evaluated: 2026-01-27. Review status: criteria provided, single submitter. Criteria: Invitae Variant Classification Sherloc (09022015). Collection method: clinical testing. Allele origin: germline.

Ambry Genetics
Classification: Likely benign for Inborn genetic diseases. Last evaluated: 2024-12-19. Review status: criteria provided, single submitter. Criteria: Ambry Variant Classification Scheme 2023. Collection method: clinical testing. Allele origin: germline.

Blueprint Genetics
Classification: Likely benign. Last evaluated: 2024-09-23. Review status: criteria provided, single submitter. Criteria: ACMG Guidelines, 2015. Collection method: clinical testing. Allele origin: germline.

GeneDx
Classification: Benign. Last evaluated: 2021-01-18. Review status: criteria provided, single submitter. Criteria: GeneDx Variant Classification Process June 2021. Collection method: clinical testing. Allele origin: germline. Affected: yes.

Genetic Services Laboratory, University of Chicago
Classification: Benign. Last evaluated: 2019-04-03. Review status: criteria provided, single submitter. Criteria: ACMG Guidelines, 2015. Collection method: clinical testing. Allele origin: germline. Affected: no.

Eurofins Ntd Llc (ga)
Classification: Uncertain significance. Last evaluated: 2015-04-24. Review status: criteria provided, single submitter. Criteria: EGL Classification Definitions 2015. Collection method: clinical testing. Allele origin: germline. Observed: 2 variant alleles, 2 heterozygotes.

Center for Genomics, Ann and Robert H. Lurie Children's Hospital of Chicago
Classification: Likely benign for Choanal atresia-athelia-hypothyroidism-delayed puberty-short stature syndrome; Kabuki syndrome 1. Review status: criteria provided, single submitter. Criteria: ACMG Guidelines, 2015. Collection method: clinical testing. Allele origin: germline.
Comment: This variant has not been reported in the literature but is present in the Genome Aggregation Database (Highest reported MAF 0.1% [19/15282]). This variant is present in ClinVar, with several labs classifying this variant as Benign (Variation ID:196683). Evolutionary conservation and computational prediction tools for this variant are limited or unavailable. This is an intronic variant with no predicted change in the amino acid sequence, but it may have an unknown effect on splicing. Splice prediction tools do not suggest that this variant may affect splicing. However, further studies are needed to understand its impact. In summary, data on this variant suggests that this variant does not cause disease but requires further evidence. Therefore, this variant is classified as likely benign.

PreventionGenetics, part of Exact Sciences
Classification: Likely benign for KMT2D-related condition. Last evaluated: 2019-12-10. Review status: no assertion criteria provided. Collection method: clinical testing. Allele origin: germline. Not counted in ClinVar's aggregate classification.
Comment: This variant is classified as likely benign based on ACMG/AMP sequence variant interpretation guidelines (Richards et al. 2015 PMID: 25741868, with internal and published modifications).

Dr. Peter K. Rogan Lab, Western University
No classification provided (evidence only). Condition: Acute myeloid leukemia. Review status: no classification provided. Collection method: in vitro. Allele origin: not applicable. Functional consequence: retained intron. Not counted in ClinVar's aggregate classification.

Dr. Peter K. Rogan Lab, Western University
No classification provided (evidence only). Condition: Cervical cancer. Review status: no classification provided. Collection method: in vitro. Allele origin: not applicable. Functional consequence: retained intron. Not counted in ClinVar's aggregate classification.

NM_003482.4(KMT2D):c.6235-6C>G

Gene: KMT2D (lysine methyltransferase 2D; minus strand). Cytogenetic location: 12q13.12.
Variant type: single nucleotide variant.
Coding change: c.6235-6C>G on transcript NM_003482.4 (MANE Select); 6 bases into the intron before coding-DNA position 6235, C replaced by G.
Molecular consequence: intron variant.
Genome position (GRCh38, 1-based): chr12:49,041,541, G>C on the plus strand (C>G on the coding strand, the complement: KMT2D is on the minus strand). VCF-style: chr12-49041541-G-C. GRCh37 (hg19) VCF-style: chr12-49435324-G-C.
Identifiers: ClinVar variation 196683 (VCV000196683.35), dbSNP rs373858319, ClinGen allele CA243748.